The following is an entry in ClinVar:

ClinVar aggregate classification (germline): Uncertain significance (1 of 4 stars; one submission).

Allele frequency attached by ClinVar (database versions not stated): gnomAD 0.00001; TOPMed 0.00001.
gnomAD v4.1: 22 of 1,614,048 alleles (0.0014%); highest among the groups gnomAD compares: South Asian, 0.0033%; no homozygotes.

Submission:

Labcorp Genetics (formerly Invitae), Labcorp
Classification: Uncertain significance. Last evaluated: 2021-08-31. Review status: criteria provided, single submitter. Criteria: Invitae Variant Classification Sherloc (09022015). Collection method: clinical testing. Allele origin: germline.
Comment: This sequence change replaces arginine with glutamine at codon 1178 of the SKIV2L protein (p.Arg1178Gln). The arginine residue is highly conserved and there is a small physicochemical difference between arginine and glutamine. This variant is not present in population databases (ExAC no frequency). This variant has not been reported in the literature in individuals affected with SKIV2L-related conditions. Algorithms developed to predict the effect of missense changes on protein structure and function are either unavailable or do not agree on the potential impact of this missense change (SIFT: "Deleterious"; PolyPhen-2: "Possibly Damaging"; Align-GVGD: "Class C0"). In summary, the available evidence is currently insufficient to determine the role of this variant in disease. Therefore, it has been classified as a Variant of Uncertain Significance.

NM_006929.5(SKIC2):c.3533G>A (p.Arg1178Gln)

Gene: SKIC2 (SKI2 subunit of superkiller complex; plus strand). Cytogenetic location: 6p21.33.
Variant type: single nucleotide variant.
Coding change: c.3533G>A on transcript NM_006929.5 (MANE Select); coding-DNA position 3533, G replaced by A.
Protein change: p.Arg1178Gln; replaces arginine 1178 with glutamine.
Molecular consequence: missense variant.
Genome position (GRCh38, 1-based): chr6:31,969,413, G>A. VCF-style: chr6-31969413-G-A. GRCh37 (hg19) VCF-style: chr6-31937190-G-A.
Other names: short protein forms R1178Q.
Identifiers: ClinVar variation 1489839 (VCV001489839.5), dbSNP rs762135217, ClinGen allele CA363490396.